The following is an entry in ClinVar:

ClinVar aggregate classification (germline): Benign. Review status: criteria provided, single submitter (1 of 4 stars). 2 submissions from 2 submitters: Benign (1). 1 of the submissions does not count toward it. Last evaluated 2018-08-16.

Conditions:
MYB-related disorder. Also called: MYB-related condition.

Allele frequency attached by ClinVar (database versions not stated): ExAC 0.00048; 1000 Genomes Project 30x 0.00094; 1000 Genomes Project 0.00100; gnomAD 0.00139 and 0.00156; TOPMed 0.00149; ESP Exome Variant Server 0.00169.
gnomAD v4.1: 422 of 1,613,766 alleles (0.026%); highest among the groups gnomAD compares: African/African-American, 0.46%; no homozygotes.

Submissions (2):

Labcorp Genetics (formerly Invitae), Labcorp
Classification: Benign. Last evaluated: 2018-08-16. Review status: criteria provided, single submitter. Criteria: Invitae Variant Classification Sherloc (09022015). Collection method: clinical testing. Allele origin: germline.

PreventionGenetics, part of Exact Sciences
Classification: Likely benign for MYB-related condition. Last evaluated: 2019-03-26. Review status: no assertion criteria provided. Collection method: clinical testing. Allele origin: germline. Not counted in ClinVar's aggregate classification.
Comment: This variant is classified as likely benign based on ACMG/AMP sequence variant interpretation guidelines (Richards et al. 2015 PMID: 25741868, with internal and published modifications).

NM_001130173.2(MYB):c.915C>T (p.Thr305=)

Gene: MYB (MYB proto-oncogene, transcription factor; plus strand). Cytogenetic location: 6q23.3.
Variant type: single nucleotide variant.
Coding change: c.915C>T on transcript NM_001130173.2 (MANE Select); coding-DNA position 915, C replaced by T.
Protein change: p.Thr305=; no amino-acid change (threonine 305 retained).
Molecular consequence: synonymous variant. On other transcripts: non-coding transcript variant (8), intron variant (1).
Genome position (GRCh38, 1-based): chr6:135,194,427, C>T. VCF-style: chr6-135194427-C-T. GRCh37 (hg19) VCF-style: chr6-135515565-C-T.
Other names: c.915C>T, p.Thr305= (NM_001130172.2, NM_001161656.2, NM_001161657.2 and 3 more transcripts); c.843+509C>T (NM_001161660.2).
Identifiers: ClinVar variation 735136 (VCV000735136.5), dbSNP rs114577782, ClinGen allele CA4011409.
Genomic context (GRCh38, chr6:135,194,427, plus strand): 5'-TGATGAAGACCCTGAGAAGGAAAAGCGAATAAAGGAATTAGAATTGCTCCTAATGTCAAC[C>T]GAGAATGAGCTAAAAGGACAGCAGGTGCTACCAGTAAGACTGTCATCATGTGCTTGAATG-3'
Protein context (NP_001123645.1, residues 295-315): IKELELLLMS[Thr305=]ENELKGQQVL